The following is an entry in ClinVar:

NM_177438.3(DICER1):c.5743A>C (p.Asn1915His)

Gene: DICER1 (dicer 1, ribonuclease III; minus strand). Cytogenetic location: 14q32.13.
Variant type: single nucleotide variant.
Coding change: c.5743A>C on transcript NM_177438.3 (MANE Select); coding-DNA position 5743, A replaced by C.
Protein change: p.Asn1915His; replaces asparagine 1915 with histidine.
Molecular consequence: missense variant. On other transcripts: 3 prime UTR variant (1), non-coding transcript variant (6).
Genome position (GRCh38, 1-based): chr14:95,090,524, T>G on the plus strand (A>C on the coding strand, the complement: DICER1 is on the minus strand). VCF-style: chr14-95090524-T-G. GRCh37 (hg19) VCF-style: chr14-95556861-T-G.
Other names: c.*90A>C (NM_001195573.1); c.5743A>C, p.Asn1915His (NM_001271282.3, NM_001291628.2, NM_001395677.1 and 7 more transcripts); c.5461A>C, p.Asn1821His (NM_001395686.1); c.5338A>C, p.Asn1780His (NM_001395687.1, NM_001395688.1, NM_001395689.1 and 1 more transcripts); c.5176A>C, p.Asn1726His (NM_001395691.1); c.4060A>C, p.Asn1354His (NM_001395697.1); short protein forms N1354H, N1821H, N1726H, N1780H, N1915H.
Identifiers: ClinVar variation 3501880 (VCV003501880.1).

ClinVar aggregate classification (germline): Uncertain significance (1 of 4 stars; one submission).

Conditions:
Hereditary cancer-predisposing syndrome. Also called: Tumor predisposition; Neoplastic Syndromes, Hereditary; Hereditary Cancer Syndrome; Hereditary neoplastic syndrome. Identifiers: Orphanet 140162, MedGen C0027672, MeSH D009386, MONDO:0015356.

Submission:

Ambry Genetics
Classification: Uncertain significance for Hereditary cancer-predisposing syndrome. Last evaluated: 2024-08-14. Review status: criteria provided, single submitter. Criteria: Ambry Variant Classification Scheme 2023. Collection method: clinical testing. Allele origin: germline.
Comment: The p.N1915H variant (also known as c.5743A>C), located in coding exon 26 of the DICER1 gene, results from an A to C substitution at nucleotide position 5743. The asparagine at codon 1915 is replaced by histidine, an amino acid with similar properties. This amino acid position is conserved. In addition, this alteration is predicted to be tolerated by in silico analysis. Based on the available evidence, the clinical significance of this variant remains unclear.